The following is an entry in ClinVar:

NM_032217.5(ANKRD17):c.1556T>C (p.Leu519Pro)

Gene: ANKRD17 (ankyrin repeat domain 17; minus strand). Cytogenetic location: 4q13.3.
Variant type: single nucleotide variant.
Coding change: c.1556T>C on transcript NM_032217.5 (MANE Select); coding-DNA position 1556, T replaced by C.
Protein change: p.Leu519Pro; replaces leucine 519 with proline.
Molecular consequence: missense variant.
Genome position (GRCh38, 1-based): chr4:73,148,824, A>G on the plus strand (T>C on the coding strand, the complement: ANKRD17 is on the minus strand). VCF-style: chr4-73148824-A-G. GRCh37 (hg19) VCF-style: chr4-74014541-A-G.
Other names: c.1217T>C, p.Leu406Pro (NM_001286771.3); c.1556T>C, p.Leu519Pro (NM_015574.2, NM_198889.3); short protein forms L406P, L519P.
Identifiers: ClinVar variation 1342982 (VCV001342982.1), dbSNP rs2148854716, ClinGen allele CA357226420.
Genomic context (GRCh38, chr4:73,148,824, plus strand): 5'-TCTTAGGTTTTACACATTTATACTTTAGTGTCTTGATAGATACGGTTACCTTGACCAAGA[A>G]GTAATGCCACCATTTCTTCATGTCCTTCTCGAGCTGCTTCCATCAATGGTGTATAACCTT-3'
Protein context (NP_115593.3, residues 509-529): REGHEEMVAL[Leu519Pro]LGQGANINAQ

ClinVar aggregate classification (germline): Likely pathogenic (1 of 4 stars; one submission).

Conditions:
Chopra-Amiel-Gordon syndrome (CAGS). Also called: ANKRD17-Related Neurodevelopmental Syndrome. Identifiers: MedGen C5561975, MONDO:0859186, OMIM 619504.

Submission:

SIB Swiss Institute of Bioinformatics
Classification: Likely pathogenic for Chopra-Amiel-Gordon syndrome. Last evaluated: 2022-03-01. Review status: criteria provided, single submitter. Criteria: ACMG Guidelines, 2015. Collection method: curation. Allele origin: unknown.
Comment: This variant is interpreted as a likely pathogenic for Chopra-Amiel-Gordon syndrome, autosomal dominant. The following ACMG Tag(s) were applied: Absent from controls (or at extremely low frequency if recessive) in Exome Sequencing Project, 1000 Genomes Project, or Exome Aggregation Consortium (PM2); De novo (paternity and maternity confirmed) (PS2); Multiple lines of computational evidence support a deleterious effect on the gene or gene product (PP3); Missense variant in a gene that has a low rate of benign missense variation and in which missense variants are a common mechanism of disease (PP2).

Literature cited by the submitters: PubMed 33909992.